The following is an entry in ClinVar:

NM_022455.5(NSD1):c.754_756delinsTTG (p.Ala252Leu)

Gene: NSD1 (nuclear receptor binding SET domain protein 1; plus strand). Cytogenetic location: 5q35.3.
Variant type: Indel.
Coding change: c.754_756delinsTTG on transcript NM_022455.5 (MANE Select); coding-DNA positions 754 to 756, GCC replaced by TTG.
Protein change: p.Ala252Leu; replaces alanine 252 with leucine.
Molecular consequence: missense variant. On other transcripts: intron variant (8).
Genome position (GRCh38, 1-based): chr5:177,135,857-177,135,859, GCC replaced by TTG. VCF-style: chr5-177135857-GCC-TTG. GRCh37 (hg19) VCF-style: chr5-176562858-GCC-TTG.
Other names: c.754_756delinsTTG, p.Ala252Leu (NM_001409301.1, NM_001409302.1, NM_001409303.1); c.754_756delGCCinsTTG, p.Ala252Leu (NM_022455.4); c.418-84_418-82delinsTTG (NM_001409304.1); c.-36-84_-36-82delinsTTG (NM_001409305.1, NM_001409306.1, NM_001409308.1 and 4 more transcripts); short protein forms A252L.
Identifiers: ClinVar variation 3383715 (VCV003383715.2).
Genomic context (GRCh38, chr5:177,135,857, plus strand): 5'-CAGACTGAAACACAGAAAAATAAGCAAAGAAATGAAGTGGACGGCAGCAATGAAAAAGCA[GCC>TTG]CTTCTCCCAGCCCCCTTTTCACTAGGAGACACAAACATTACAATAGAAGAGCAATTAAAC-3'
Protein context (NP_071900.2, residues 242-262): NEVDGSNEKA[Ala252Leu]LLPAPFSLGD

ClinVar aggregate classification (germline): Uncertain significance (1 of 4 stars; one submission).

Submission:

GeneDx
Classification: Uncertain significance. Last evaluated: 2025-09-17. Review status: criteria provided, single submitter. Criteria: GeneDx Variant Classification Process June 2021. Collection method: clinical testing. Allele origin: germline. Affected: yes.
Comment: Not observed at significant frequency in large population cohorts (gnomAD); In silico analysis supports a deleterious effect on protein structure/function; Has not been previously published as pathogenic or benign to our knowledge